The following is an entry in ClinVar:

ClinVar aggregate classification (germline): Uncertain significance (1 of 4 stars; one submission).

Submission:

Labcorp Genetics (formerly Invitae), Labcorp
Classification: Uncertain significance. Last evaluated: 2023-05-09. Review status: criteria provided, single submitter. Criteria: Invitae Variant Classification Sherloc (09022015). Collection method: clinical testing. Allele origin: germline.
Comment: In summary, the available evidence is currently insufficient to determine the role of this variant in disease. Therefore, it has been classified as a Variant of Uncertain Significance. Experimental studies and prediction algorithms are not available or were not evaluated, and the functional significance of this variant is currently unknown. This variant has not been reported in the literature in individuals affected with FAR1-related conditions. This variant is not present in population databases (gnomAD no frequency). This variant, c.1310_1312del, results in the deletion of 1 amino acid(s) of the FAR1 protein (p.Tyr437del), but otherwise preserves the integrity of the reading frame.

NM_032228.6(FAR1):c.1307ACT[1] (p.Tyr437del)

Gene: FAR1 (fatty acyl-CoA reductase 1; plus strand). Cytogenetic location: 11p15.3.
Variant type: Microsatellite.
Coding change: c.1307ACT[1] on transcript NM_032228.6 (MANE Select); one copy of the 3-base unit ACT starting at c.1307; the reference has two copies in a row; one copy, 3 bases deleted.
Protein change: p.Tyr437del; deletes tyrosine 437.
Molecular consequence: inframe deletion.
Genome position (GRCh38, 1-based): chr11:13,727,608-13,727,610, ACT deleted; deleting any 3 consecutive bases within chr11:13,727,605-13,727,610 gives the same sequence; the position shown is the placement nearest the transcript's 3' end. VCF-style (leftmost placement, unchanged base first): chr11-13727604-AACT-A. GRCh37 (hg19) VCF-style: chr11-13749151-AACT-A.
Other names: short protein forms Y437del.
Identifiers: ClinVar variation 2017368 (VCV002017368.4), dbSNP rs2500167947, ClinGen allele CA2580615634.